The following is an entry in ClinVar:

ClinVar aggregate classification (germline): Likely benign. Review status: criteria provided, multiple submitters, no conflicts (2 of 4 stars). 3 submissions from 3 submitters: Likely benign (3). Last evaluated 2025-05-27.

Conditions:
Tuberous sclerosis syndrome (TSC). Also called: Tuberous sclerosis; Tuberous Sclerosis Complex. Identifiers: Orphanet 805, MedGen C0041341, MONDO:0001734.
Tuberous sclerosis 2 (TSC2). Identifiers: Orphanet 805, MedGen C1860707, MONDO:0013199, OMIM 613254.

gnomAD v4.1: 1 of 1,612,186 alleles (0.000062%); highest among the groups gnomAD compares: South Asian, 0.0011%; no homozygotes.

Submissions (3):

Myriad Genetics, Inc.
Classification: Likely benign for Tuberous sclerosis 2. Last evaluated: 2025-05-27. Review status: criteria provided, single submitter. Criteria: Myriad Autosomal Dominant, Autosomal Recessive and X-Linked Classification Criteria (2023). Collection method: clinical testing. Allele origin: unknown.
Comment: This variant is considered likely benign. This variant is intronic and is not expected to impact mRNA splicing.

Labcorp Genetics (formerly Invitae), Labcorp
Classification: Likely benign for Tuberous sclerosis 2. Last evaluated: 2025-05-02. Review status: criteria provided, single submitter. Criteria: Invitae Variant Classification Sherloc (09022015). Collection method: clinical testing. Allele origin: germline.

All of Us Research Program, National Institutes of Health
Classification: Likely benign for Tuberous sclerosis syndrome. Last evaluated: 2023-01-10. Review status: criteria provided, single submitter. Criteria: ACMG Guidelines, 2015. Collection method: clinical testing. Allele origin: germline. Inheritance: Autosomal dominant inheritance. Observed: 1 variant allele, 1 heterozygote.
Comment: This study involves interpretation of variants in research participants for the purpose of population health screening. Participant phenotype was not available at the time of variant classification. Additional details can be found in publication PMID: 35346344, PMCID: PMC8962531

NM_000548.5(TSC2):c.2967-15G>C

Gene: TSC2 (TSC complex subunit 2; plus strand). Cytogenetic location: 16p13.3.
Variant type: single nucleotide variant.
Coding change: c.2967-15G>C on transcript NM_000548.5 (MANE Select); 15 bases into the intron before coding-DNA position 2967, G replaced by C.
Molecular consequence: intron variant.
Genome position (GRCh38, 1-based): chr16:2,079,017, G>C. VCF-style: chr16-2079017-G-C. GRCh37 (hg19) VCF-style: chr16-2129018-G-C.
Other names: c.2820-18G>C (NM_001406676.1); c.2691-15G>C (NM_001318829.2); c.2691-18G>C (NM_001406679.1); c.2238-15G>C (NM_001406686.1, NM_001406685.1); c.2871-18G>C (NM_001318832.2); c.1494-15G>C (NM_001406693.1, NM_001406690.1, NM_001406692.1 and 1 more transcripts); c.2928-15G>C (NM_001406667.1); c.2928-18G>C (NM_001406668.1); and 18 more.
Identifiers: ClinVar variation 3069347 (VCV003069347.4), dbSNP rs375423568, ClinGen allele CA2631117427.